The following is an entry in ClinVar:

ClinVar aggregate classification (germline): Uncertain significance. Review status: criteria provided, multiple submitters, no conflicts (2 of 4 stars). 2 submissions from 2 submitters: Uncertain significance (2). Last evaluated 2023-09-20.

Conditions:
Neonatal-onset encephalopathy with rigidity and seizures. Also called: Lethal neonatal spasticity-epileptic encephalopathy syndrome. Identifiers: Orphanet 435845, MedGen C3281029, MONDO:0013784, OMIM 614498.
Inborn genetic diseases. Identifiers: MedGen C0950123, MeSH D030342.

Allele frequency attached by ClinVar (database versions not stated): ExAC 0.00001; gnomAD exomes 0.00001 and 0.00004; gnomAD 0.00002; TOPMed 0.00002.
gnomAD v4.1: 64 of 1,612,774 alleles (0.004%); highest among the groups gnomAD compares: Non-Finnish European, 0.0053%; no homozygotes.

Submissions (2):

Ambry Genetics
Classification: Uncertain significance for Inborn genetic diseases. Last evaluated: 2023-09-20. Review status: criteria provided, single submitter. Criteria: Ambry Variant Classification Scheme 2023. Collection method: clinical testing. Allele origin: germline.

Labcorp Genetics (formerly Invitae), Labcorp
Classification: Uncertain significance for Neonatal-onset encephalopathy with rigidity and seizures. Last evaluated: 2021-10-28. Review status: criteria provided, single submitter. Criteria: Invitae Variant Classification Sherloc (09022015). Collection method: clinical testing. Allele origin: germline.
Comment: This sequence change replaces alanine, which is neutral and non-polar, with threonine, which is neutral and polar, at codon 180 of the BRAT1 protein (p.Ala180Thr). This variant is present in population databases (rs758560307, gnomAD 0.002%). This variant has not been reported in the literature in individuals affected with BRAT1-related conditions. ClinVar contains an entry for this variant (Variation ID: 952399). Algorithms developed to predict the effect of missense changes on protein structure and function output the following: SIFT: "Tolerated"; PolyPhen-2: "Benign"; Align-GVGD: "Class C0". The threonine amino acid residue is found in multiple mammalian species, which suggests that this missense change does not adversely affect protein function. In summary, the available evidence is currently insufficient to determine the role of this variant in disease. Therefore, it has been classified as a Variant of Uncertain Significance.

NM_152743.4(BRAT1):c.538G>A (p.Ala180Thr)

Gene: BRAT1 (BRCA1 associated ATM activator 1; minus strand). Cytogenetic location: 7p22.3.
Variant type: single nucleotide variant.
Coding change: c.538G>A on transcript NM_152743.4 (MANE Select); coding-DNA position 538, G replaced by A.
Protein change: p.Ala180Thr; replaces alanine 180 with threonine.
Molecular consequence: missense variant. On other transcripts: non-coding transcript variant (1).
Genome position (GRCh38, 1-based): chr7:2,543,855, C>T on the plus strand (G>A on the coding strand, the complement: BRAT1 is on the minus strand). VCF-style: chr7-2543855-C-T. GRCh37 (hg19) VCF-style: chr7-2583489-C-T.
Other names: c.538G>A, p.Ala180Thr (NM_001350626.2); c.13G>A, p.Ala5Thr (NM_001350627.2); short protein forms A180T, A5T.
Identifiers: ClinVar variation 952399 (VCV000952399.5), dbSNP rs758560307, ClinGen allele CA4128173.